The following is an entry in ClinVar:

NM_001354604.2(MITF):c.1520C>A (p.Ala507Asp)

Gene: MITF (melanocyte inducing transcription factor; plus strand). Cytogenetic location: 3p13.
Variant type: single nucleotide variant.
Coding change: c.1520C>A on transcript NM_001354604.2 (MANE Select); coding-DNA position 1520, C replaced by A.
Protein change: p.Ala507Asp; replaces alanine 507 with aspartic acid.
Molecular consequence: missense variant.
Genome position (GRCh38, 1-based): chr3:69,965,187, C>A. VCF-style: chr3-69965187-C-A. GRCh37 (hg19) VCF-style: chr3-70014338-C-A.
Other names: c.1502C>A, p.Ala501Asp (NM_198159.3); c.1454C>A, p.Ala485Asp (NM_198177.3); c.1013C>A, p.Ala338Asp (NM_198178.3); c.1199C>A, p.Ala400Asp (NM_000248.4); c.1346C>A, p.Ala449Asp (NM_001184967.2, NM_001354608.2); c.1517C>A, p.Ala506Asp (NM_001354605.2); c.1499C>A, p.Ala500Asp (NM_001354606.2, NM_006722.3); c.1451C>A, p.Ala484Asp (NM_001354607.2); and 1 more; short protein forms A400D, A485D, A501D, A449D, A484D, A500D, A338D, A394D.
Identifiers: ClinVar variation 4108306 (VCV004108306.1).
Genomic context (GRCh38, chr3:69,965,187, plus strand): 5'-ACGACACCCTTTCTCCCGTCGGTGTCACTGATCCACTCCTTTCCTCAGTGTCCCCCGGAG[C>A]TTCCAAAACAAGCAGCCGGAGGAGCAGTATGAGCATGGAAGAGACGGAGCACACTTGTTA-3'
Protein context (NP_001341533.1, residues 497-517): DPLLSSVSPG[Ala507Asp]SKTSSRRSSM

ClinVar aggregate classification (germline): Uncertain significance (1 of 4 stars; one submission).

Conditions:
Hereditary cancer-predisposing syndrome. Also called: Tumor predisposition; Neoplastic Syndromes, Hereditary; Hereditary neoplastic syndrome; Hereditary Cancer Syndrome. Identifiers: Orphanet 140162, MedGen C0027672, MeSH D009386, MONDO:0015356.

Submission:

Ambry Genetics
Classification: Uncertain significance for Hereditary cancer-predisposing syndrome. Last evaluated: 2025-08-20. Review status: criteria provided, single submitter. Criteria: Ambry Variant Classification Scheme 2023. Collection method: clinical testing. Allele origin: germline.
Comment: The p.A400D variant (also known as c.1199C>A), located in coding exon 9 of the MITF gene, results from a C to A substitution at nucleotide position 1199. The alanine at codon 400 is replaced by aspartic acid, an amino acid with dissimilar properties. This amino acid position is conserved. In addition, this alteration is predicted to be tolerated by in silico analysis. Based on the available evidence, the clinical significance of this variant remains unclear.